The following is an entry in ClinVar:

ClinVar aggregate classification (germline): Uncertain significance. Review status: criteria provided, multiple submitters, no conflicts (2 of 4 stars). 3 submissions from 3 submitters: Uncertain significance (3). Last evaluated 2021-09-01.

Allele frequency attached by ClinVar (database versions not stated): ExAC 0.00001; gnomAD 0.00001; gnomAD exomes 0.00001 and 0.00003; TOPMed 0.00002.
gnomAD v4.1: 52 of 1,614,008 alleles (0.0032%); highest among the groups gnomAD compares: Non-Finnish European, 0.0042%; no homozygotes.

Submissions (3):

Blueprint Genetics
Classification: Uncertain significance. Last evaluated: 2021-09-01. Review status: criteria provided, single submitter. Criteria: ACMG Guidelines, 2015. Collection method: clinical testing. Allele origin: germline.

Labcorp Genetics (formerly Invitae), Labcorp
Classification: Uncertain significance. Last evaluated: 2021-08-27. Review status: criteria provided, single submitter. Criteria: Invitae Variant Classification Sherloc (09022015). Collection method: clinical testing. Allele origin: germline.
Comment: This sequence change replaces glutamine with glutamic acid at codon 1035 of the ABCA4 protein (p.Gln1035Glu). The glutamine residue is weakly conserved and there is a small physicochemical difference between glutamine and glutamic acid. This variant is present in population databases (rs779067729, ExAC 0.001%). This variant has not been reported in the literature in individuals affected with ABCA4-related conditions. ClinVar contains an entry for this variant (Variation ID: 282022). Advanced modeling of protein sequence and biophysical properties (such as structural, functional, and spatial information, amino acid conservation, physicochemical variation, residue mobility, and thermodynamic stability) performed at Invitae indicates that this missense variant is not expected to disrupt ABCA4 protein function. In summary, the available evidence is currently insufficient to determine the role of this variant in disease. Therefore, it has been classified as a Variant of Uncertain Significance.

Eurofins Ntd Llc (ga)
Classification: Uncertain significance. Last evaluated: 2015-08-07. Review status: criteria provided, single submitter. Criteria: EGL Classification Definitions 2015. Collection method: clinical testing. Allele origin: germline. Observed: 1 variant allele, 1 heterozygote.

NM_000350.3(ABCA4):c.3103C>G (p.Gln1035Glu)

Gene: ABCA4 (ATP binding cassette subfamily A member 4; minus strand). Cytogenetic location: 1p22.1.
Variant type: single nucleotide variant.
Coding change: c.3103C>G on transcript NM_000350.3 (MANE Select); coding-DNA position 3103, C replaced by G.
Protein change: p.Gln1035Glu; replaces glutamine 1035 with glutamic acid.
Molecular consequence: missense variant.
Genome position (GRCh38, 1-based): chr1:94,043,423, G>C on the plus strand (C>G on the coding strand, the complement: ABCA4 is on the minus strand). VCF-style: chr1-94043423-G-C. GRCh37 (hg19) VCF-style: chr1-94508979-G-C.
Other names: c.2881C>G, p.Gln961Glu (NM_001425324.1); short protein forms Q1035E, Q961E.
Identifiers: ClinVar variation 282022 (VCV000282022.10), dbSNP rs779067729, ClinGen allele CA958042.